The following is an entry in ClinVar:

NM_000051.4(ATM):c.1285A>C (p.Asn429His)

Gene: ATM (ATM serine/threonine kinase; plus strand). Cytogenetic location: 11q22.3.
Variant type: single nucleotide variant.
Coding change: c.1285A>C on transcript NM_000051.4 (MANE Select); coding-DNA position 1285, A replaced by C.
Protein change: p.Asn429His; replaces asparagine 429 with histidine.
Molecular consequence: missense variant.
Genome position (GRCh38, 1-based): chr11:108,250,750, A>C. VCF-style: chr11-108250750-A-C. GRCh37 (hg19) VCF-style: chr11-108121477-A-C.
Other names: c.1285A>C, p.Asn429His (NM_001351834.2); short protein forms N429H.
Identifiers: ClinVar variation 3232054 (VCV003232054.1), dbSNP rs2135317293, ClinGen allele CA382533510.

ClinVar aggregate classification (germline): Uncertain significance (1 of 4 stars; one submission).

Conditions:
Hereditary cancer-predisposing syndrome. Also called: Neoplastic Syndromes, Hereditary; Tumor predisposition; Hereditary neoplastic syndrome; Hereditary Cancer Syndrome. Identifiers: Orphanet 140162, MedGen C0027672, MeSH D009386, MONDO:0015356.

Submission:

Ambry Genetics
Classification: Uncertain significance for Hereditary cancer-predisposing syndrome. Last evaluated: 2023-11-17. Review status: criteria provided, single submitter. Criteria: Ambry Variant Classification Scheme 2023. Collection method: clinical testing. Allele origin: germline.
Comment: The p.N429H variant (also known as c.1285A>C), located in coding exon 9 of the ATM gene, results from an A to C substitution at nucleotide position 1285. The asparagine at codon 429 is replaced by histidine, an amino acid with similar properties. This amino acid position is conserved. In addition, this alteration is predicted to be tolerated by in silico analysis. Since supporting evidence is limited at this time, the clinical significance of this alteration remains unclear.